The following is an entry in ClinVar:

NM_000443.4(ABCB4):c.984T>G (p.Tyr328Ter)

Gene: ABCB4 (ATP binding cassette subfamily B member 4; minus strand). Cytogenetic location: 7q21.12.
Variant type: single nucleotide variant.
Coding change: c.984T>G on transcript NM_000443.4 (MANE Select); coding-DNA position 984, T replaced by G.
Protein change: p.Tyr328Ter; replaces tyrosine 328 with a stop codon.
Molecular consequence: nonsense.
Genome position (GRCh38, 1-based): chr7:87,447,055, A>C on the plus strand (T>G on the coding strand, the complement: ABCB4 is on the minus strand). VCF-style: chr7-87447055-A-C. GRCh37 (hg19) VCF-style: chr7-87076371-A-C.
Other names: c.984T>G (NM_000443.3); c.984T>G, p.Tyr328Ter (NM_018849.3, NM_018850.3); short protein forms Y328*.
Identifiers: ClinVar variation 1685491 (VCV001685491.6), dbSNP rs931093296, ClinGen allele CA162094438.

ClinVar aggregate classification (germline): Pathogenic/Likely pathogenic. Review status: criteria provided, multiple submitters, no conflicts (2 of 4 stars). 5 submissions from 5 submitters: Pathogenic (4); Likely pathogenic (1). Last evaluated 2026-07-28.

Conditions:
Low phospholipid associated cholelithiasis (GBD1). Also called: Gallbladder disease 1; Gallstone cholecystitis. Identifiers: Orphanet 69663, MedGen C2609268, MONDO:0010939, OMIM 600803.
ABCB4-related disorder. Also called: ABCB4-related disorders; ABCB4-related condition.
Familial intrahepatic cholestasis. Identifiers: Orphanet 284385, MedGen CN296401, MONDO:0017290.

Allele frequency attached by ClinVar (database versions not stated): gnomAD exomes below 0.00001; TOPMed below 0.00001.
gnomAD v4.1: 1 of 1,613,420 alleles (0.000062%); highest among the groups gnomAD compares: Admixed American, 0.0017%; no homozygotes.

Submissions (5):

PreventionGenetics, part of Exact Sciences
Classification: Pathogenic for ABCB4-related condition. Last evaluated: 2026-07-28. Review status: criteria provided, single submitter. Criteria: ACMG Guidelines, 2015. Collection method: clinical testing. Allele origin: germline.
Comment: The ABCB4 c.984T>G variant is predicted to result in premature protein termination (p.Tyr328*). This variant has been reported in the compound heterozygous state in an individual with familial progressive intrahepatic cholestasis (Boga et al. 2015. PubMed ID: 26473142). This variant is reported in 0.0029% of alleles in individuals of Latino descent in gnomAD. Nonsense variants in ABCB4 are expected to be pathogenic. This variant is interpreted as pathogenic.

Genomenon, Inc
Classification: Pathogenic for Familial intrahepatic cholestasis. Last evaluated: 2026-04-14. Review status: criteria provided, single submitter. Criteria: Genomenon Sequence Variant Interpretation Standards - Updated. Collection method: curation. Allele origin: germline. Affected: yes.
Comment: ABCB4 p.Tyr328Ter (c.984T>G) is a nonsense variant that introduces a premature stop codon at amino acid position 328, creating a truncated protein that is predicted to undergo nonsense-mediated mRNA decay. This variant has been observed in at least one proband with an ABCB4-related disorder (PMID:26473142). It is absent or not present at a significant frequency in gnomAD. In conclusion, we classify ABCB4 p.Tyr328Ter (c.984T>G) as a pathogenic variant.

Labcorp Genetics (formerly Invitae), Labcorp
Classification: Pathogenic. Last evaluated: 2024-06-08. Review status: criteria provided, single submitter. Criteria: Invitae Variant Classification Sherloc (09022015). Collection method: clinical testing. Allele origin: germline.
Comment: This sequence change creates a premature translational stop signal (p.Tyr328*) in the ABCB4 gene. It is expected to result in an absent or disrupted protein product. Loss-of-function variants in ABCB4 are known to be pathogenic (PMID: 17726488, 25755532). This variant is present in population databases (no rsID available, gnomAD 0.003%). This premature translational stop signal has been observed in individual(s) with clinical features of ABCB4-related conditions (PMID: 26473142). ClinVar contains an entry for this variant (Variation ID: 1685491). Algorithms developed to predict the effect of sequence changes on RNA splicing suggest that this variant may disrupt the consensus splice site. For these reasons, this variant has been classified as Pathogenic.

Blueprint Genetics
Classification: Likely pathogenic for ABCB4-related disorders. Last evaluated: 2022-06-22. Review status: criteria provided, single submitter. Criteria: ACMG Guidelines, 2015. Collection method: clinical testing. Allele origin: germline. Affected: yes. Observed: 1 variant allele.

Mendelics
Classification: Pathogenic for Low phospholipid associated cholelithiasis. Last evaluated: 2022-05-04. Review status: criteria provided, single submitter. Criteria: Mendelics Assertion Criteria 2019. Collection method: clinical testing. Allele origin: germline.

Literature cited by the submitters: PubMed 26473142 (cited by Genomenon, Inc and Labcorp Genetics (formerly Invitae), Labcorp); PubMed 17726488 (cited by Labcorp Genetics (formerly Invitae), Labcorp); PubMed 25755532 (cited by Labcorp Genetics (formerly Invitae), Labcorp).